The following is an entry in ClinVar:

ClinVar aggregate classification (germline): Uncertain significance. Review status: criteria provided, multiple submitters, no conflicts (2 of 4 stars). 2 submissions from 2 submitters: Uncertain significance (2). Last evaluated 2023-02-10.

Conditions:
Hereditary cancer-predisposing syndrome. Also called: Hereditary neoplastic syndrome; Neoplastic Syndromes, Hereditary; Tumor predisposition; Hereditary Cancer Syndrome. Identifiers: Orphanet 140162, MedGen C0027672, MeSH D009386, MONDO:0015356.
Tuberous sclerosis 1 (TSC1). Identifiers: Orphanet 805, MedGen C1854465, MONDO:0008612, OMIM 191100.

Allele frequency attached by ClinVar (database versions not stated): gnomAD exomes below 0.00001; ExAC 0.00001.

Submissions (2):

Ambry Genetics
Classification: Uncertain significance for Hereditary cancer-predisposing syndrome. Last evaluated: 2023-02-10. Review status: criteria provided, single submitter. Criteria: Ambry Variant Classification Scheme 2023. Collection method: clinical testing. Allele origin: germline.
Comment: The p.E31D variant (also known as c.93G>T), located in coding exon 1 of the TSC1 gene, results from a G to T substitution at nucleotide position 93. The glutamic acid at codon 31 is replaced by aspartic acid, an amino acid with highly similar properties. This amino acid position is conserved. In addition, this alteration is predicted to be tolerated by in silico analysis. Since supporting evidence is limited at this time, the clinical significance of this alteration remains unclear.

Labcorp Genetics (formerly Invitae), Labcorp
Classification: Uncertain significance for Tuberous sclerosis 1. Last evaluated: 2017-02-12. Review status: criteria provided, single submitter. Criteria: Invitae Variant Classification Sherloc (09022015). Collection method: clinical testing. Allele origin: germline.
Comment: This sequence change replaces glutamic acid with aspartic acid at codon 31 of the TSC1 protein (p.Glu31Asp). The glutamic acid residue is moderately conserved and there is a small physicochemical difference between glutamic acid and aspartic acid. This variant is present in population databases (rs781059342, ExAC 0.01%) but has not been reported in the literature in individuals with a TSC1-related disease. Algorithms developed to predict the effect of missense changes on protein structure and function output the following: (SIFT: "Tolerated"; PolyPhen-2: "Benign"; Align-GVGD: "Class C0"). The aspartic acid amino acid residue is found in multiple mammalian species, suggesting that this missense change does not adversely affect protein function. These predictions have not been confirmed by published functional studies. In summary, this variant is a rare missense change that is not predicted to affect protein function. There is no indication that it causes disease, but the available evidence is currently insufficient to prove that conclusively. Therefore, it has been classified as a Variant of Uncertain Significance.

NM_000368.5(TSC1):c.93G>T (p.Glu31Asp)

Gene: TSC1 (TSC complex subunit 1; minus strand). Cytogenetic location: 9q34.13.
Variant type: single nucleotide variant.
Coding change: c.93G>T on transcript NM_000368.5 (MANE Select); coding-DNA position 93, G replaced by T.
Protein change: p.Glu31Asp; replaces glutamic acid 31 with aspartic acid.
Molecular consequence: missense variant. On other transcripts: 5 prime UTR variant (1).
Genome position (GRCh38, 1-based): chr9:132,928,780, C>A on the plus strand (G>T on the coding strand, the complement: TSC1 is on the minus strand). VCF-style: chr9-132928780-C-A. GRCh37 (hg19) VCF-style: chr9-135804167-C-A.
Other names: c.93G>T, p.Glu31Asp (NM_001162426.2, NM_001162427.2); c.-167G>T (NM_001362177.2); short protein forms E31D.
Identifiers: ClinVar variation 466162 (VCV000466162.10), dbSNP rs781059342, ClinGen allele CA039811.